The following is an entry in ClinVar:

NM_015404.4(WHRN):c.14T>C (p.Leu5Pro)

Gene: WHRN (whirlin; minus strand). Cytogenetic location: 9q32.
Variant type: single nucleotide variant.
Coding change: c.14T>C on transcript NM_015404.4 (MANE Select); coding-DNA position 14, T replaced by C.
Protein change: p.Leu5Pro; replaces leucine 5 with proline.
Molecular consequence: missense variant.
Genome position (GRCh38, 1-based): chr9:114,504,788, A>G on the plus strand (T>C on the coding strand, the complement: WHRN is on the minus strand). VCF-style: chr9-114504788-A-G. GRCh37 (hg19) VCF-style: chr9-117267068-A-G.
Other names: c.14T>C, p.Leu5Pro (NM_001173425.2); short protein forms L5P.
Identifiers: ClinVar variation 517266 (VCV000517266.5), dbSNP rs1554747807, ClinGen allele CA374614916.

ClinVar aggregate classification (germline): Uncertain significance (1 of 4 stars; one submission).

gnomAD v4.1: 1 of 1,457,210 alleles (0.000069%); highest among the groups gnomAD compares: Non-Finnish European, 0.000089%; no homozygotes.

Submission:

Laboratory for Molecular Medicine, Mass General Brigham Personalized Medicine
Classification: Uncertain significance. Last evaluated: 2017-02-16. Review status: criteria provided, single submitter. Criteria: LMM Criteria. Collection method: clinical testing. Allele origin: germline. Observed: 2 variant alleles.
Comment: The p.Leu5Pro variant in DFNB31 has not been previously reported in individuals with hearing loss, or in large population studies. Computational prediction tool s and conservation analysis suggest that the p.Leu5Pro variant may impact the pr otein, though this information is not predictive enough to determine pathogenici ty. In summary, the clinical significance of the p.Leu5Pro variant is uncertain.